The following is an entry in ClinVar:

ClinVar aggregate classification (germline): Uncertain significance. Review status: criteria provided, single submitter (1 of 4 stars). 2 submissions from 2 submitters: Uncertain significance (1). 1 of the submissions does not count toward it. Last evaluated 2024-09-04.

Conditions:
Global developmental delay (DD). Also called: Cognitive delay. Identifiers: MedGen C0557874, HP:0001263. Disease mechanism: loss of function.

Allele frequency attached by ClinVar (database versions not stated): ExAC 0.00001; gnomAD exomes 0.00001 and 0.00008.
gnomAD v4.1: 85 of 1,210,928 alleles (0.007%); highest among the groups gnomAD compares: Non-Finnish European, 0.0089%; no homozygotes.

Submissions (2):

Labcorp Genetics (formerly Invitae), Labcorp
Classification: Uncertain significance. Last evaluated: 2024-09-04. Review status: criteria provided, single submitter. Criteria: Invitae Variant Classification Sherloc (09022015). Collection method: clinical testing. Allele origin: germline.
Comment: This sequence change replaces arginine, which is basic and polar, with tryptophan, which is neutral and slightly polar, at codon 155 of the DRP2 protein (p.Arg155Trp). This variant is present in population databases (rs779203586, gnomAD 0.008%). This variant has not been reported in the literature in individuals affected with DRP2-related conditions. ClinVar contains an entry for this variant (Variation ID: 1174084). Invitae Evidence Modeling of protein sequence and biophysical properties (such as structural, functional, and spatial information, amino acid conservation, physicochemical variation, residue mobility, and thermodynamic stability) has been performed for this missense variant. However, the output from this modeling did not meet the statistical confidence thresholds required to predict the impact of this variant on DRP2 protein function. In summary, the available evidence is currently insufficient to determine the role of this variant in disease. Therefore, it has been classified as a Variant of Uncertain Significance.

Centre de Biologie Pathologie Génétique, Centre Hospitalier Universitaire de Lille
Classification: Uncertain significance for Global developmental delay. Last evaluated: 2020-01-01. Review status: no assertion criteria provided. Collection method: clinical testing. Allele origin: germline. Affected: yes. Not counted in ClinVar's aggregate classification.

NM_001939.3(DRP2):c.463C>T (p.Arg155Trp)

Gene: DRP2 (dystrophin related protein 2; plus strand). Cytogenetic location: Xq22.1.
Variant type: single nucleotide variant.
Coding change: c.463C>T on transcript NM_001939.3 (MANE Select); coding-DNA position 463, C replaced by T.
Protein change: p.Arg155Trp; replaces arginine 155 with tryptophan.
Molecular consequence: missense variant.
Genome position (GRCh38, 1-based): chrX:101,239,005, C>T. VCF-style: chrX-101239005-C-T. GRCh37 (hg19) VCF-style: chrX-100493994-C-T.
Other names: c.229C>T, p.Arg77Trp (NM_001171184.2); short protein forms R155W, R77W.
Identifiers: ClinVar variation 1174084 (VCV001174084.9), dbSNP rs779203586, ClinGen allele CA10472079.